The following is an entry in ClinVar:

ClinVar aggregate classification (germline): Uncertain significance. Review status: criteria provided, multiple submitters, no conflicts (2 of 4 stars). 2 submissions from 2 submitters: Uncertain significance (2). Last evaluated 2025-05-19.

Conditions:
Hereditary cancer-predisposing syndrome. Also called: Neoplastic Syndromes, Hereditary; Tumor predisposition; Hereditary Cancer Syndrome; Hereditary neoplastic syndrome. Identifiers: Orphanet 140162, MedGen C0027672, MeSH D009386, MONDO:0015356.

Allele frequency attached by ClinVar (database versions not stated): TOPMed below 0.00001; gnomAD 0.00001; gnomAD exomes 0.00001 and 0.00002; ExAC 0.00002.
gnomAD v4.1: 6 of 1,614,134 alleles (0.00037%); highest among the groups gnomAD compares: South Asian, 0.0033%; no homozygotes.

Submissions (2):

Labcorp Genetics (formerly Invitae), Labcorp
Classification: Uncertain significance for Hereditary cancer-predisposing syndrome. Last evaluated: 2025-05-19. Review status: criteria provided, single submitter. Criteria: Invitae Variant Classification Sherloc (09022015). Collection method: clinical testing. Allele origin: germline.
Comment: This sequence change replaces isoleucine, which is neutral and non-polar, with valine, which is neutral and non-polar, at codon 1165 of the RAD50 protein (p.Ile1165Val). This variant is present in population databases (rs765807869, gnomAD 0.01%). This variant has not been reported in the literature in individuals affected with RAD50-related conditions. ClinVar contains an entry for this variant (Variation ID: 231267). Invitae Evidence Modeling of protein sequence and biophysical properties (such as structural, functional, and spatial information, amino acid conservation, physicochemical variation, residue mobility, and thermodynamic stability) has been performed for this missense variant. However, the output from this modeling did not meet the statistical confidence thresholds required to predict the impact of this variant on RAD50 protein function. In summary, the available evidence is currently insufficient to determine the role of this variant in disease. Therefore, it has been classified as a Variant of Uncertain Significance.

Ambry Genetics
Classification: Uncertain significance for Hereditary cancer-predisposing syndrome. Last evaluated: 2024-06-06. Review status: criteria provided, single submitter. Criteria: Ambry Variant Classification Scheme 2023. Collection method: clinical testing. Allele origin: germline.
Comment: The p.I1165V variant (also known as c.3493A>G), located in coding exon 23 of the RAD50 gene, results from an A to G substitution at nucleotide position 3493. The isoleucine at codon 1165 is replaced by valine, an amino acid with highly similar properties. This amino acid position is highly conserved in available vertebrate species. In addition, the in silico prediction for this alteration is inconclusive. Since supporting evidence is limited at this time, the clinical significance of this alteration remains unclear.

NM_005732.4(RAD50):c.3493A>G (p.Ile1165Val)

Genes: RAD50 (RAD50 double strand break repair protein; plus strand), TH2LCRR (T helper type 2 locus control region associated RNA; minus strand), TH2-LCR (Th2 cytokine locus control region; plus strand). Cytogenetic location: 5q31.1.
Variant type: single nucleotide variant.
Coding change: c.3493A>G on transcript NM_005732.4 (MANE Select); coding-DNA position 3493, A replaced by G.
Protein change: p.Ile1165Val; replaces isoleucine 1165 with valine.
Molecular consequence: missense variant. On other transcripts: non-coding transcript variant (2).
Genome position (GRCh38, 1-based): chr5:132,638,098, A>G. VCF-style: chr5-132638098-A-G. GRCh37 (hg19) VCF-style: chr5-131973790-A-G.
Other names: short protein forms I1165V.
Identifiers: ClinVar variation 231267 (VCV000231267.14), dbSNP rs765807869, ClinGen allele CA3405601.